The following is an entry in ClinVar:

NM_001369.3(DNAH5):c.12705+1G>A

Gene: DNAH5 (dynein axonemal heavy chain 5; minus strand). Cytogenetic location: 5p15.2.
Variant type: single nucleotide variant.
Coding change: c.12705+1G>A on transcript NM_001369.3 (MANE Select); the canonical splice donor site of the intron after coding-DNA position 12705, G replaced by A.
Molecular consequence: splice donor variant.
Genome position (GRCh38, 1-based): chr5:13,717,314, C>T on the plus strand (G>A on the coding strand, the complement: DNAH5 is on the minus strand). VCF-style: chr5-13717314-C-T. GRCh37 (hg19) VCF-style: chr5-13717423-C-T.
Identifiers: ClinVar variation 2693401 (VCV002693401.3), dbSNP rs779993876, ClinGen allele CA359205872.

ClinVar aggregate classification (germline): Likely pathogenic (1 of 4 stars; one submission).

Conditions:
Primary ciliary dyskinesia. Also called: Ciliary dyskinesia. Identifiers: Orphanet 244, MedGen C0008780, MONDO:0016575, HP:0012265.

Submission:

Labcorp Genetics (formerly Invitae), Labcorp
Classification: Likely pathogenic for Primary ciliary dyskinesia. Last evaluated: 2023-11-05. Review status: criteria provided, single submitter. Criteria: Invitae Variant Classification Sherloc (09022015). Collection method: clinical testing. Allele origin: germline.
Comment: This sequence change affects a donor splice site in intron 73 of the DNAH5 gene. It is expected to disrupt RNA splicing. Variants that disrupt the donor or acceptor splice site typically lead to a loss of protein function (PMID: 16199547), and loss-of-function variants in DNAH5 are known to be pathogenic (PMID: 11788826, 16627867). This variant is not present in population databases (gnomAD no frequency). This variant has not been reported in the literature in individuals affected with DNAH5-related conditions. Algorithms developed to predict the effect of sequence changes on RNA splicing suggest that this variant may disrupt the consensus splice site. In summary, the currently available evidence indicates that the variant is pathogenic, but additional data are needed to prove that conclusively. Therefore, this variant has been classified as Likely Pathogenic.

Literature cited by the submitters: PubMed 16199547; PubMed 11788826; PubMed 16627867.